The following is an entry in ClinVar:

NM_001369.3(DNAH5):c.11883+3A>G

Gene: DNAH5 (dynein axonemal heavy chain 5; minus strand). Cytogenetic location: 5p15.2.
Variant type: single nucleotide variant.
Coding change: c.11883+3A>G on transcript NM_001369.3 (MANE Select); 3 bases into the intron after coding-DNA position 11883, A replaced by G.
Molecular consequence: intron variant.
Genome position (GRCh38, 1-based): chr5:13,729,436, T>C on the plus strand (A>G on the coding strand, the complement: DNAH5 is on the minus strand). VCF-style: chr5-13729436-T-C. GRCh37 (hg19) VCF-style: chr5-13729545-T-C.
Identifiers: ClinVar variation 3643948 (VCV003643948.2).

ClinVar aggregate classification (germline): Uncertain significance (1 of 4 stars; one submission).

Conditions:
Primary ciliary dyskinesia. Also called: Ciliary dyskinesia. Identifiers: Orphanet 244, MedGen C0008780, MONDO:0016575, HP:0012265.

gnomAD v4.1: 1 of 1,613,946 alleles (0.000062%); highest among the groups gnomAD compares: Non-Finnish European, 0.000085%; no homozygotes.

Submission:

Labcorp Genetics (formerly Invitae), Labcorp
Classification: Uncertain significance for Primary ciliary dyskinesia. Last evaluated: 2024-03-01. Review status: criteria provided, single submitter. Criteria: Invitae Variant Classification Sherloc (09022015). Collection method: clinical testing. Allele origin: germline.
Comment: This sequence change falls in intron 69 of the DNAH5 gene. It does not directly change the encoded amino acid sequence of the DNAH5 protein. It affects a nucleotide within the consensus splice site. This variant is not present in population databases (gnomAD no frequency). This variant has not been reported in the literature in individuals affected with DNAH5-related conditions. Variants that disrupt the consensus splice site are a relatively common cause of aberrant splicing (PMID: 17576681, 9536098). Algorithms developed to predict the effect of sequence changes on RNA splicing suggest that this variant may disrupt the consensus splice site. In summary, the available evidence is currently insufficient to determine the role of this variant in disease. Therefore, it has been classified as a Variant of Uncertain Significance.

Literature cited by the submitters: PubMed 17576681; PubMed 9536098.